The following is an entry in ClinVar:

NM_001127671.2(LIFR):c.904C>T (p.Arg302Cys)

Gene: LIFR (LIF receptor subunit alpha; minus strand). Cytogenetic location: 5p13.1.
Variant type: single nucleotide variant.
Coding change: c.904C>T on transcript NM_001127671.2 (MANE Select); coding-DNA position 904, C replaced by T.
Protein change: p.Arg302Cys; replaces arginine 302 with cysteine.
Molecular consequence: missense variant.
Genome position (GRCh38, 1-based): chr5:38,510,551, G>A on the plus strand (C>T on the coding strand, the complement: LIFR is on the minus strand). VCF-style: chr5-38510551-G-A. GRCh37 (hg19) VCF-style: chr5-38510653-G-A.
Other names: c.904C>T (NM_002310.5); c.904C>T, p.Arg302Cys (NM_001364297.2, NM_001364298.2, NM_002310.6); short protein forms R302C.
Identifiers: ClinVar variation 2144819 (VCV002144819.4), dbSNP rs61751714, ClinGen allele CA3243087.

ClinVar aggregate classification (germline): Uncertain significance. Review status: criteria provided, multiple submitters, no conflicts (2 of 4 stars). 3 submissions from 3 submitters: Uncertain significance (3). Last evaluated 2025-11-10.

Conditions:
Stüve-Wiedemann syndrome 1. Also called: STUVE-WIEDEMANN/SCHWARTZ-JAMPEL TYPE 2 SYNDROME. Identifiers: Orphanet 3206, MedGen C5676888, MONDO:0800043, OMIM 601559.
Inborn genetic diseases. Identifiers: MedGen C0950123, MeSH D030342.

Allele frequency attached by ClinVar (database versions not stated): gnomAD 0.00005; gnomAD exomes 0.00005; TOPMed 0.00006; ExAC 0.00011; ESP Exome Variant Server 0.00015.
gnomAD v4.1: 79 of 1,613,722 alleles (0.0049%); highest among the groups gnomAD compares: Middle Eastern, 0.016%; no homozygotes.

Submissions (3):

Labcorp Genetics (formerly Invitae), Labcorp
Classification: Uncertain significance. Last evaluated: 2025-11-10. Review status: criteria provided, single submitter. Criteria: Invitae Variant Classification Sherloc (09022015). Collection method: clinical testing. Allele origin: germline.
Comment: This sequence change replaces arginine, which is basic and polar, with cysteine, which is neutral and slightly polar, at codon 302 of the LIFR protein (p.Arg302Cys). This variant is present in population databases (rs61751714, gnomAD 0.03%). This variant has not been reported in the literature in individuals affected with LIFR-related conditions. ClinVar contains an entry for this variant (Variation ID: 2144819). An algorithm developed to predict the effect of missense changes on protein structure and function (PolyPhen-2) suggests that this variant is likely to be tolerated. In summary, the available evidence is currently insufficient to determine the role of this variant in disease. Therefore, it has been classified as a Variant of Uncertain Significance.

Ambry Genetics
Classification: Uncertain significance for Inborn genetic diseases. Last evaluated: 2025-02-18. Review status: criteria provided, single submitter. Criteria: Ambry Variant Classification Scheme 2023. Collection method: clinical testing. Allele origin: germline.

Fulgent Genetics
Classification: Uncertain significance for Stüve-Wiedemann syndrome 1. Last evaluated: 2024-03-29. Review status: criteria provided, single submitter. Criteria: ACMG Guidelines, 2015. Collection method: clinical testing. Allele origin: germline.